The following is an entry in ClinVar:

NM_000324.3(RHAG):c.741C>T (p.Leu247=)

Gene: RHAG (Rh associated glycoprotein; minus strand). Cytogenetic location: 6p12.3.
Variant type: single nucleotide variant.
Coding change: c.741C>T on transcript NM_000324.3 (MANE Select); coding-DNA position 741, C replaced by T.
Protein change: p.Leu247=; no amino-acid change (leucine 247 retained).
Molecular consequence: synonymous variant.
Genome position (GRCh38, 1-based): chr6:49,614,753, G>A on the plus strand (C>T on the coding strand, the complement: RHAG is on the minus strand). VCF-style: chr6-49614753-G-A. GRCh37 (hg19) VCF-style: chr6-49582466-G-A.
Identifiers: ClinVar variation 4084354 (VCV004084354.8).

ClinVar aggregate classification (germline): Likely benign (1 of 4 stars; one submission).

gnomAD v4.1: 28 of 1,613,978 alleles (0.0017%); highest among the groups gnomAD compares: African/African-American, 0.017%; no homozygotes.

Submission:

CeGaT Center for Human Genetics Tuebingen
Classification: Likely benign. Last evaluated: 2025-07-01. Review status: criteria provided, single submitter. Criteria: CeGaT Center For Human Genetics Tuebingen Variant Classification Criteria Version 2. Collection method: clinical testing. Allele origin: germline. Affected: yes. Observed: 1 variant allele.
Comment: RHAG: BP4, BP7